The following is an entry in ClinVar:

ClinVar aggregate classification (germline): Likely benign. Review status: criteria provided, multiple submitters, no conflicts (2 of 4 stars). 4 submissions from 4 submitters: Likely benign (3). 1 of the submissions does not count toward it. Last evaluated 2025-12-03.

Conditions:
DEPDC5-related disorder. Also called: DEPDC5-related condition; DEPDC5-related related disorder.
Familial focal epilepsy with variable foci (FPEVF). Identifiers: Orphanet 98820, MedGen C1858477, MONDO:0020310.
Inborn genetic diseases. Identifiers: MedGen C0950123, MeSH D030342.

Allele frequency attached by ClinVar (database versions not stated): gnomAD 0.00001 and 0.00004; TOPMed 0.00001; gnomAD exomes 0.00014; ExAC 0.00016; 1000 Genomes Project 0.00040; 1000 Genomes Project 30x 0.00047.
gnomAD v4.1: 92 of 1,613,974 alleles (0.0057%); highest among the groups gnomAD compares: South Asian, 0.09%; 1 homozygote.

Submissions (4):

Labcorp Genetics (formerly Invitae), Labcorp
Classification: Likely benign for Familial focal epilepsy with variable foci. Last evaluated: 2025-12-03. Review status: criteria provided, single submitter. Criteria: Invitae Variant Classification Sherloc (09022015). Collection method: clinical testing. Allele origin: germline.

CeGaT Center for Human Genetics Tuebingen
Classification: Likely benign. Last evaluated: 2024-11-01. Review status: criteria provided, single submitter. Criteria: CeGaT Center For Human Genetics Tuebingen Variant Classification Criteria Version 2. Collection method: clinical testing. Allele origin: germline. Affected: yes. Observed: 1 variant allele.
Comment: DEPDC5: BS2

Ambry Genetics
Classification: Likely benign for Inborn genetic diseases. Last evaluated: 2023-11-09. Review status: criteria provided, single submitter. Criteria: Ambry Variant Classification Scheme 2023. Collection method: clinical testing. Allele origin: germline.

PreventionGenetics, part of Exact Sciences
Classification: Likely benign for DEPDC5-related condition. Last evaluated: 2021-06-15. Review status: no assertion criteria provided. Collection method: clinical testing. Allele origin: germline. Not counted in ClinVar's aggregate classification.
Comment: This variant is classified as likely benign based on ACMG/AMP sequence variant interpretation guidelines (Richards et al. 2015 PMID: 25741868, with internal and published modifications).

NM_001242896.3(DEPDC5):c.138T>A (p.Asp46Glu)

Gene: DEPDC5 (DEP domain containing 5, GATOR1 subcomplex subunit; plus strand). Cytogenetic location: 22q12.2.
Variant type: single nucleotide variant.
Coding change: c.138T>A on transcript NM_001242896.3 (MANE Select); coding-DNA position 138, T replaced by A.
Protein change: p.Asp46Glu; replaces aspartic acid 46 with glutamic acid.
Molecular consequence: missense variant. On other transcripts: non-coding transcript variant (5).
Genome position (GRCh38, 1-based): chr22:31,758,625, T>A. VCF-style: chr22-31758625-T-A. GRCh37 (hg19) VCF-style: chr22-32154611-T-A.
Other names: c.138T>A, p.Asp46Glu (NM_001007188.4, NM_001136029.4, NM_001242897.2 and 9 more transcripts); short protein forms D46E.
Identifiers: ClinVar variation 466452 (VCV000466452.26), dbSNP rs535630975, ClinGen allele CA10195828.